The following is an entry in ClinVar:

ClinVar aggregate classification (germline): Uncertain significance. Review status: criteria provided, multiple submitters, no conflicts (2 of 4 stars). 2 submissions from 2 submitters: Uncertain significance (2). Last evaluated 2024-11-14.

Allele frequency attached by ClinVar (database versions not stated): gnomAD exomes below 0.00001; TOPMed below 0.00001; gnomAD 0.00001.
gnomAD v4.1: 4 of 1,614,048 alleles (0.00025%); highest among the groups gnomAD compares: East Asian, 0.0022%; no homozygotes.

Submissions (2):

Blueprint Genetics
Classification: Uncertain significance. Last evaluated: 2024-11-14. Review status: criteria provided, single submitter. Criteria: ACMG Guidelines, 2015. Collection method: clinical testing. Allele origin: germline.

GeneDx
Classification: Uncertain significance. Last evaluated: 2017-06-09. Review status: criteria provided, single submitter. Criteria: GeneDx Variant Classification (06012015). Collection method: clinical testing. Allele origin: germline. Affected: yes.
Comment: A variant of uncertain significance has been identified in the PRDM16 gene. The R443H variant has not been published as pathogenic or been reported as benign to our knowledge. This variant is not observed in large population cohorts (Lek et al., 2016; 1000 Genomes Consortium et al., 2015; Exome Variant Server). This substitution occurs at a position that is conserved across species. In silico analysis predicts this variant is probably damaging to the protein structure/function. However, the R443H variant is a conservative amino acid substitution, which is not likely to impact secondary protein structure as these residues share similar properties.

NM_022114.4(PRDM16):c.1328G>A (p.Arg443His)

Gene: PRDM16 (PR/SET domain 16; plus strand). Cytogenetic location: 1p36.32.
Variant type: single nucleotide variant.
Coding change: c.1328G>A on transcript NM_022114.4 (MANE Select); coding-DNA position 1328, G replaced by A.
Protein change: p.Arg443His; replaces arginine 443 with histidine.
Molecular consequence: missense variant.
Genome position (GRCh38, 1-based): chr1:3,411,525, G>A. VCF-style: chr1-3411525-G-A. GRCh37 (hg19) VCF-style: chr1-3328089-G-A.
Other names: c.1328G>A, p.Arg443His (NM_199454.3); short protein forms R443H.
Identifiers: ClinVar variation 432618 (VCV000432618.3), dbSNP rs1313622926, ClinGen allele CA337996983.